The following is an entry in ClinVar:

NM_001458.5(FLNC):c.6728G>A (p.Gly2243Asp)

Genes: FLNC (filamin C; plus strand), FLNC-AS1 (FLNC antisense RNA 1; minus strand). Cytogenetic location: 7q32.1.
Variant type: single nucleotide variant.
Coding change: c.6728G>A on transcript NM_001458.5 (MANE Select); coding-DNA position 6728, G replaced by A.
Protein change: p.Gly2243Asp; replaces glycine 2243 with aspartic acid.
Molecular consequence: missense variant.
Genome position (GRCh38, 1-based): chr7:128,854,413, G>A. VCF-style: chr7-128854413-G-A. GRCh37 (hg19) VCF-style: chr7-128494467-G-A.
Other names: c.6629G>A, p.Gly2210Asp (NM_001127487.2); short protein forms G2243D, G2210D.
Identifiers: ClinVar variation 864329 (VCV000864329.11), dbSNP rs1311623651, ClinGen allele CA369213431.

ClinVar aggregate classification (germline): Uncertain significance. Review status: criteria provided, multiple submitters, no conflicts (2 of 4 stars). 2 submissions from 2 submitters: Uncertain significance (2). Last evaluated 2024-10-10.

Conditions:
Myofibrillar myopathy 5. Also called: Filaminopathy (type); FILAMINOPATHY, AUTOSOMAL DOMINANT. Identifiers: Orphanet 171445, MedGen C1836050, MONDO:0012289, OMIM 609524.
Distal myopathy with posterior leg and anterior hand involvement. Also called: WILLIAMS DISTAL MYOPATHY. Identifiers: Orphanet 63273, MedGen C3279722, MONDO:0013550, OMIM 614065.
Hypertrophic cardiomyopathy 26. Also called: Cardiomyopathy, familial hypertrophic, 26. Identifiers: Orphanet 75249, MedGen C4310749, MONDO:0014883, OMIM 617047.

Allele frequency attached by ClinVar (database versions not stated): gnomAD exomes below 0.00001; gnomAD 0.00001; TOPMed 0.00002.
gnomAD v4.1: 4 of 1,609,642 alleles (0.00025%); highest among the groups gnomAD compares: Admixed American, 0.0034%; no homozygotes.

Submissions (2):

Labcorp Genetics (formerly Invitae), Labcorp
Classification: Uncertain significance for Distal myopathy with posterior leg and anterior hand involvement; Myofibrillar myopathy 5; Hypertrophic cardiomyopathy 26. Last evaluated: 2024-10-10. Review status: criteria provided, single submitter. Criteria: Invitae Variant Classification Sherloc (09022015). Collection method: clinical testing. Allele origin: germline.
Comment: This sequence change replaces glycine, which is neutral and non-polar, with aspartic acid, which is acidic and polar, at codon 2243 of the FLNC protein (p.Gly2243Asp). This variant is present in population databases (no rsID available, gnomAD 0.004%). This variant has not been reported in the literature in individuals affected with FLNC-related conditions. ClinVar contains an entry for this variant (Variation ID: 864329). An algorithm developed to predict the effect of missense changes on protein structure and function (PolyPhen-2) suggests that this variant is likely to be disruptive. In summary, the available evidence is currently insufficient to determine the role of this variant in disease. Therefore, it has been classified as a Variant of Uncertain Significance.

GeneDx
Classification: Uncertain significance. Last evaluated: 2024-05-30. Review status: criteria provided, single submitter. Criteria: GeneDx Variant Classification Process June 2021. Collection method: clinical testing. Allele origin: germline. Affected: yes.
Comment: Not observed at significant frequency in large population cohorts (gnomAD); In silico analysis indicates that this missense variant does not alter protein structure/function; Has not been previously published as pathogenic or benign to our knowledge